The following is an entry in ClinVar:

ClinVar aggregate classification (germline): Uncertain significance. Review status: criteria provided, multiple submitters, no conflicts (2 of 4 stars). 2 submissions from 2 submitters: Uncertain significance (2). Last evaluated 2022-05-16.

Conditions:
Inborn genetic diseases. Identifiers: MedGen C0950123, MeSH D030342.
Joubert syndrome 21 (JBTS21). Identifiers: MedGen C3810212, MONDO:0014288, OMIM 615636.

gnomAD v4.1: 2 of 1,606,840 alleles (0.00012%); highest among the groups gnomAD compares: Admixed American, 0.0034%; no homozygotes.

Submissions (2):

Ambry Genetics
Classification: Uncertain significance for Inborn genetic diseases. Last evaluated: 2022-05-16. Review status: criteria provided, single submitter. Criteria: Ambry Variant Classification Scheme 2023. Collection method: clinical testing. Allele origin: germline.

Labcorp Genetics (formerly Invitae), Labcorp
Classification: Uncertain significance for Joubert syndrome 21. Last evaluated: 2022-02-07. Review status: criteria provided, single submitter. Criteria: Invitae Variant Classification Sherloc (09022015). Collection method: clinical testing. Allele origin: germline.
Comment: In summary, the available evidence is currently insufficient to determine the role of this variant in disease. Therefore, it has been classified as a Variant of Uncertain Significance. Algorithms developed to predict the effect of missense changes on protein structure and function are either unavailable or do not agree on the potential impact of this missense change (SIFT: "Tolerated"; PolyPhen-2: "Probably Damaging"; Align-GVGD: "Class C0"). This variant has not been reported in the literature in individuals affected with CSPP1-related conditions. This variant is not present in population databases (gnomAD no frequency). This sequence change replaces arginine, which is basic and polar, with glycine, which is neutral and non-polar, at codon 802 of the CSPP1 protein (p.Arg802Gly).

NM_001382391.1(CSPP1):c.2419C>G (p.Arg807Gly)

Gene: CSPP1 (centrosome and spindle pole associated protein 1; plus strand). Cytogenetic location: 8q13.2.
Variant type: single nucleotide variant.
Coding change: c.2419C>G on transcript NM_001382391.1 (MANE Select); coding-DNA position 2419, C replaced by G.
Protein change: p.Arg807Gly; replaces arginine 807 with glycine.
Molecular consequence: missense variant.
Genome position (GRCh38, 1-based): chr8:67,159,018, C>G. VCF-style: chr8-67159018-C-G. GRCh37 (hg19) VCF-style: chr8-68071253-C-G.
Other names: c.1369C>G, p.Arg457Gly (NM_001291339.2); c.2338C>G, p.Arg780Gly (NM_001363131.2); c.2224C>G, p.Arg742Gly (NM_001363132.2); c.2143C>G, p.Arg715Gly (NM_001363133.2); c.2485C>G, p.Arg829Gly (NM_001364869.1); c.2305C>G, p.Arg769Gly (NM_001364870.1); c.2404C>G, p.Arg802Gly (NM_024790.7); short protein forms R769G, R715G, R742G, R802G, R807G, R829G, R780G, R457G.
Identifiers: ClinVar variation 2144955 (VCV002144955.5), dbSNP rs757384412, ClinGen allele CA371189717.